The following is an entry in ClinVar:

ClinVar aggregate classification (germline): Uncertain significance. Review status: criteria provided, multiple submitters, no conflicts (2 of 4 stars). 2 submissions from 2 submitters: Uncertain significance (2). Last evaluated 2024-10-15.

Conditions:
Inborn genetic diseases. Identifiers: MedGen C0950123, MeSH D030342.

Allele frequency attached by ClinVar (database versions not stated): gnomAD exomes below 0.00001; gnomAD 0.00001; TOPMed 0.00002; 1000 Genomes Project 30x 0.00016; 1000 Genomes Project 0.00020.
gnomAD v4.1: 8 of 1,537,164 alleles (0.00052%); highest among the groups gnomAD compares: East Asian, 0.0025%; no homozygotes.

Submissions (2):

Labcorp Genetics (formerly Invitae), Labcorp
Classification: Uncertain significance. Last evaluated: 2024-10-15. Review status: criteria provided, single submitter. Criteria: Invitae Variant Classification Sherloc (09022015). Collection method: clinical testing. Allele origin: germline.
Comment: This sequence change replaces arginine, which is basic and polar, with glutamine, which is neutral and polar, at codon 2882 of the UNC80 protein (p.Arg2882Gln). This variant is present in population databases (rs535321786, gnomAD 0.007%). This variant has not been reported in the literature in individuals affected with UNC80-related conditions. ClinVar contains an entry for this variant (Variation ID: 1500105). Invitae Evidence Modeling of protein sequence and biophysical properties (such as structural, functional, and spatial information, amino acid conservation, physicochemical variation, residue mobility, and thermodynamic stability) indicates that this missense variant is not expected to disrupt UNC80 protein function with a negative predictive value of 80%. In summary, the available evidence is currently insufficient to determine the role of this variant in disease. Therefore, it has been classified as a Variant of Uncertain Significance.

Ambry Genetics
Classification: Uncertain significance for Inborn genetic diseases. Last evaluated: 2024-01-16. Review status: criteria provided, single submitter. Criteria: Ambry Variant Classification Scheme 2023. Collection method: clinical testing. Allele origin: germline.

NM_001371986.1(UNC80):c.8843G>A (p.Arg2948Gln)

Gene: UNC80 (unc-80 homolog, NALCN channel complex subunit; plus strand). Cytogenetic location: 2q34.
Variant type: single nucleotide variant.
Coding change: c.8843G>A on transcript NM_001371986.1 (MANE Select); coding-DNA position 8843, G replaced by A.
Protein change: p.Arg2948Gln; replaces arginine 2948 with glutamine.
Molecular consequence: missense variant.
Genome position (GRCh38, 1-based): chr2:209,976,983, G>A. VCF-style: chr2-209976983-G-A. GRCh37 (hg19) VCF-style: chr2-210841707-G-A.
Other names: c.8645G>A, p.Arg2882Gln (NM_032504.2); c.8630G>A, p.Arg2877Gln (NM_182587.4); c.8645G>A (NM_032504.1); short protein forms R2948Q, R2877Q, R2882Q.
Identifiers: ClinVar variation 1500105 (VCV001500105.8), dbSNP rs535321786, ClinGen allele CA64658867.